The following is an entry in ClinVar:

NM_032242.4(PLXNA1):c.4693C>T (p.Arg1565Cys)

Gene: PLXNA1 (plexin A1; plus strand). Cytogenetic location: 3q21.3.
Variant type: single nucleotide variant.
Coding change: c.4693C>T on transcript NM_032242.4 (MANE Select); coding-DNA position 4693, C replaced by T.
Protein change: p.Arg1565Cys; replaces arginine 1565 with cysteine.
Molecular consequence: missense variant.
Genome position (GRCh38, 1-based): chr3:127,029,016, C>T. VCF-style: chr3-127029016-C-T. GRCh37 (hg19) VCF-style: chr3-126747859-C-T.
Other names: short protein forms R1565C.
Identifiers: ClinVar variation 3348118 (VCV003348118.1).
Genomic context (GRCh38, chr3:127,029,016, plus strand): 5'-CCCAGCGGCCCCACCCTCCAGCTCCCTCCTCCCCCAGAGTGGCGCCAGGGCCGCATGGCG[C>T]GCATCATCCTGCAGGACGAGGACGTCACCACCAAGATTGACAACGATTGGAAGAGGCTGA-3'
Protein context (NP_115618.3, residues 1555-1575): DLEWRQGRMA[Arg1565Cys]IILQDEDVTT

ClinVar aggregate classification (germline): Uncertain significance (0 of 4 stars; one submission).

Conditions:
PLXNA1-related disorder. Also called: PLXNA1-related condition.

gnomAD v4.1: 74 of 1,613,160 alleles (0.0046%); highest among the groups gnomAD compares: South Asian, 0.064%; no homozygotes.

Submission:

PreventionGenetics, part of Exact Sciences
Classification: Uncertain significance for PLXNA1-related condition. Last evaluated: 2024-04-10. Review status: no assertion criteria provided. Collection method: clinical testing. Allele origin: germline.
Comment: The PLXNA1 c.4693C>T variant is predicted to result in the amino acid substitution p.Arg1565Cys. To our knowledge, this variant has not been reported in the literature. This variant is reported in 0.069% of alleles in individuals of South Asian descent in gnomAD, which is likely too frequent for an unreported disease-causing variant. Although we suspect that this variant may be benign, at this time, the clinical significance of this variant is uncertain due to the absence of conclusive functional and genetic evidence.